The following is an entry in ClinVar:

NM_000138.5(FBN1):c.91G>A (p.Ala31Thr)

Gene: FBN1 (fibrillin 1; minus strand). Cytogenetic location: 15q21.1.
Variant type: single nucleotide variant.
Coding change: c.91G>A on transcript NM_000138.5 (MANE Select); coding-DNA position 91, G replaced by A.
Protein change: p.Ala31Thr; replaces alanine 31 with threonine.
Molecular consequence: missense variant.
Genome position (GRCh38, 1-based): chr15:48,644,679, C>T on the plus strand (G>A on the coding strand, the complement: FBN1 is on the minus strand). VCF-style: chr15-48644679-C-T. GRCh37 (hg19) VCF-style: chr15-48936876-C-T.
Other names: short protein forms A31T.
Identifiers: ClinVar variation 884752 (VCV000884752.14), dbSNP rs371130701, ClinGen allele CA060367.
Genomic context (GRCh38, chr15:48,644,679, plus strand): 5'-CGTGTCCTCCACCGCCTCTTCTCTTGGCCCGACTGGCTCTGGTTTCCTTCACGTTCCCAG[C>T]CTCCAAATTGGCGTCCGCCCCATGGCTCGTGTAGGACGCTAAAAGCACGGTAAATCCCAG-3'
Protein context (NP_000129.3, residues 21-41): TSHGADANLE[Ala31Thr]GNVKETRASR

ClinVar aggregate classification (germline): Conflicting classifications of pathogenicity. Review status: criteria provided, conflicting classifications (1 of 4 stars). 11 submissions from 5 submitters: Uncertain significance (5); Benign (5); Likely benign (1). Last evaluated 2026-02-24.

Conditions:
Familial thoracic aortic aneurysm and aortic dissection (TAAD). Also called: Thoracic aortic aneurysms and dissections. Identifiers: Orphanet 91387, MedGen C4707243, MONDO:0019625.
Geleophysic dysplasia. Identifiers: Orphanet 2623, MedGen C3489726, MONDO:0000127.
Weill-Marchesani syndrome. Also called: WM Syndrome; Mesodermal dysmorphodystrophy congenital. Identifiers: Orphanet 3449, MedGen C0265313, MONDO:0018096.
Marfan syndrome (MFS). Also called: FBN1-Related Marfan Syndrome; Marfan's syndrome; MARFAN SYNDROME, TYPE I; Marfan syndrome type 1; Marfan syndrome, classic. Identifiers: Orphanet 284963, Orphanet 558, MedGen C0024796, MONDO:0007947, OMIM 154700.
Acromicric dysplasia (ACMICD). Also called: Acromicric skeletal dysplasia. Identifiers: Orphanet 969, MedGen C0265287, MONDO:0007055, OMIM 102370.
Stiff skin syndrome (SSKS). Identifiers: Orphanet 2833, MedGen C1861456, MONDO:0008492, OMIM 184900.
Ectopia lentis 1, isolated, autosomal dominant (ECTOL1). Identifiers: Orphanet 1885, MedGen C3541518, MONDO:0007514, OMIM 129600.

Allele frequency attached by ClinVar (database versions not stated): gnomAD exomes below 0.00001 and 0.00001; TOPMed below 0.00001; gnomAD 0.00001; ESP Exome Variant Server 0.00008; ExAC 0.00002.
gnomAD v4.1: 5 of 1,613,938 alleles (0.00031%); highest among the groups gnomAD compares: Non-Finnish European, 0.00042%; no homozygotes.

Submissions (11):

GeneDx
Classification: Uncertain significance. Last evaluated: 2026-02-24. Review status: criteria provided, single submitter. Criteria: GeneDx Variant Classification Process June 2021. Collection method: clinical testing. Allele origin: germline.
Comment: Not observed at significant frequency in large population cohorts (gnomAD); In silico analysis supports that this missense variant has a deleterious effect on protein structure/function; Does not affect a cysteine or calcium-binding residue within an EGF-like domain or a TGF-binding protein domain of the FBN1 gene; cysteine substitutions in the EGF-like domains represent the majority of pathogenic missense changes associated with FBN1-related disorders (PMID: 12938084); Has not been previously published as pathogenic or benign to our knowledge; This variant is associated with the following publications: (PMID: 12938084)

Color Diagnostics, LLC DBA Color Health
Classification: Uncertain significance for Familial thoracic aortic aneurysm and aortic dissection. Last evaluated: 2025-09-22. Review status: criteria provided, single submitter. Criteria: ACMG Guidelines, 2015. Collection method: clinical testing. Allele origin: germline.
Comment: This missense variant replaces alanine with threonine at codon 31 of the FBN1 protein. Computational prediction suggests that this variant may not impact protein structure and function. To our knowledge, functional studies have not been reported for this variant. This variant has not been reported in individuals affected with FBN1-related disorders in the literature. This variant has been identified in 3/251478 chromosomes in the general population by the Genome Aggregation Database (gnomAD). The available evidence is insufficient to determine the role of this variant in disease conclusively. Therefore, this variant is classified as a Variant of Uncertain Significance.

Ambry Genetics
Classification: Uncertain significance for Familial thoracic aortic aneurysm and aortic dissection. Last evaluated: 2025-09-19. Review status: criteria provided, single submitter. Criteria: Ambry Variant Classification Scheme 2023. Collection method: clinical testing. Allele origin: germline.
Comment: The p.A31T variant (also known as c.91G>A), located in coding exon 1 of the FBN1 gene, results from a G to A substitution at nucleotide position 91. The alanine at codon 31 is replaced by threonine, an amino acid with similar properties. This amino acid position is well conserved in available vertebrate species. In addition, this alteration is predicted to be tolerated by in silico analysis. Based on the available evidence, the clinical significance of this variant remains unclear.

Labcorp Genetics (formerly Invitae), Labcorp
Classification: Likely benign for Marfan syndrome; Familial thoracic aortic aneurysm and aortic dissection. Last evaluated: 2022-07-13. Review status: criteria provided, single submitter. Criteria: Invitae Variant Classification Sherloc (09022015). Collection method: clinical testing. Allele origin: germline.

Illumina Laboratory Services, Illumina
Classification: Uncertain significance for Marfan syndrome. Last evaluated: 2018-03-16. Review status: criteria provided, single submitter. Criteria: ICSL Variant Classification Criteria 13 December 2019. Collection method: clinical testing. Allele origin: germline.

Illumina Laboratory Services, Illumina
Classification: Uncertain significance for Familial thoracic aortic aneurysm and aortic dissection. Last evaluated: 2018-03-16. Review status: criteria provided, single submitter. Criteria: ICSL Variant Classification Criteria 13 December 2019. Collection method: clinical testing. Allele origin: germline.

Illumina Laboratory Services, Illumina
Classification: Benign for Acromicric dysplasia. Last evaluated: 2018-03-12. Review status: criteria provided, single submitter. Criteria: ICSL Variant Classification Criteria 13 December 2019. Collection method: clinical testing. Allele origin: germline.
Comment: This variant was observed in the ICSL laboratory as part of a predisposition screen in an ostensibly healthy population. It had not been previously curated by ICSL or reported in the Human Gene Mutation Database (HGMD: prior to June 1st, 2018), and was therefore a candidate for classification through an automated scoring system. Utilizing variant allele frequency, disease prevalence and penetrance estimates, and inheritance mode, an automated score was calculated to assess if this variant is too frequent to cause the disease. Based on the score and internal cut-off values, a variant classified as benign is not then subjected to further curation. The score for this variant resulted in a classification of benign for this disease.

Illumina Laboratory Services, Illumina
Classification: Benign for Stiff skin syndrome. Last evaluated: 2018-03-12. Review status: criteria provided, single submitter. Criteria: ICSL Variant Classification Criteria 13 December 2019. Collection method: clinical testing. Allele origin: germline.
Comment: the same text as in the submission from Illumina Laboratory Services, Illumina above.

Illumina Laboratory Services, Illumina
Classification: Benign for Ectopia lentis 1, isolated, autosomal dominant. Last evaluated: 2018-03-12. Review status: criteria provided, single submitter. Criteria: ICSL Variant Classification Criteria 13 December 2019. Collection method: clinical testing. Allele origin: germline.
Comment: the same text as in the submission from Illumina Laboratory Services, Illumina above.

Illumina Laboratory Services, Illumina
Classification: Benign for Geleophysic dysplasia. Last evaluated: 2018-03-12. Review status: criteria provided, single submitter. Criteria: ICSL Variant Classification Criteria 13 December 2019. Collection method: clinical testing. Allele origin: germline.
Comment: the same text as in the submission from Illumina Laboratory Services, Illumina above.

Illumina Laboratory Services, Illumina
Classification: Benign for Weill-Marchesani syndrome. Last evaluated: 2018-03-12. Review status: criteria provided, single submitter. Criteria: ICSL Variant Classification Criteria 13 December 2019. Collection method: clinical testing. Allele origin: germline.
Comment: the same text as in the submission from Illumina Laboratory Services, Illumina above.